The following is an entry in ClinVar:

ClinVar aggregate classification (germline): Uncertain significance (1 of 4 stars; one submission).

Submission:

GeneDx
Classification: Uncertain significance. Last evaluated: 2025-05-13. Review status: criteria provided, single submitter. Criteria: GeneDx Variant Classification Process June 2021. Collection method: clinical testing. Allele origin: germline. Affected: yes.
Comment: Not observed at significant frequency in large population cohorts (gnomAD); In silico analysis suggests that this missense variant does not alter protein structure/function; Has not been previously published as pathogenic or benign to our knowledge

NM_138792.4(LEO1):c.34G>T (p.Ala12Ser)

Gene: LEO1 (LEO1 component of Paf1/RNA polymerase II complex; minus strand). Cytogenetic location: 15q21.2.
Variant type: single nucleotide variant.
Coding change: c.34G>T on transcript NM_138792.4 (MANE Select); coding-DNA position 34, G replaced by T.
Protein change: p.Ala12Ser; replaces alanine 12 with serine.
Molecular consequence: missense variant.
Genome position (GRCh38, 1-based): chr15:51,971,712, C>A on the plus strand (G>T on the coding strand, the complement: LEO1 is on the minus strand). VCF-style: chr15-51971712-C-A. GRCh37 (hg19) VCF-style: chr15-52263909-C-A.
Other names: c.34G>T, p.Ala12Ser (NM_001286430.2, NM_001323903.2, NM_001323904.2 and 2 more transcripts); short protein forms A12S.
Identifiers: ClinVar variation 4529534 (VCV004529534.1).